The following is an entry in ClinVar:

ClinVar aggregate classification (germline): Pathogenic. Review status: criteria provided, multiple submitters, no conflicts (2 of 4 stars). 9 submissions from 9 submitters: Pathogenic (8). 1 of the submissions does not count toward it. Last evaluated 2026-05-11.

Conditions:
NPC1-related disorder. Also called: NPC1-related condition.
Niemann-Pick disease, type C (NPC). Identifiers: Orphanet 646, MedGen C0220756, MONDO:0018982.
Niemann-Pick disease, type C1. Also called: NEUROVISCERAL STORAGE DISEASE WITH VERTICAL SUPRANUCLEAR OPHTHALMOPLEGIA; NIEMANN-PICK DISEASE WITH CHOLESTEROL ESTERIFICATION BLOCK; NIEMANN-PICK DISEASE WITHOUT SPHINGOMYELINASE DEFICIENCY; NIEMANN-PICK DISEASE, CHRONIC NEURONOPATHIC FORM; NIEMANN-PICK DISEASE, VARIANT TYPE C1. Identifiers: Orphanet 646, MedGen C3179455, MONDO:0009757, OMIM 257220.

Allele frequency attached by ClinVar (database versions not stated): ESP Exome Variant Server 0.00008; gnomAD 0.00001; gnomAD exomes 0.00001 and 0.00002; TOPMed 0.00002.
gnomAD v4.1: 19 of 1,613,770 alleles (0.0012%); highest among the groups gnomAD compares: East Asian, 0.0045%; no homozygotes.

Submissions (9):

PreventionGenetics, part of Exact Sciences
Classification: Pathogenic for NPC1-related condition. Last evaluated: 2026-05-11. Review status: criteria provided, single submitter. Criteria: ACMG Guidelines, 2015. Collection method: clinical testing. Allele origin: germline.
Comment: The NPC1 c.1628C>T variant is predicted to result in the amino acid substitution p.Pro543Leu. This variant has been reported in multiple individuals with Niemann-Pick disease type C (Park et al. 2003. PubMed ID: 12955717; Millat et al. 2005. PubMed ID: 16126423; Garver et al. 2010. PubMed ID: 19744920; Heron et al. 2012. PubMed ID: 22676771; Chien et al. 2013. PubMed ID: 22476655﻿). This variant is reported in 0.011% of alleles in individuals of East Asian descent in gnomAD. This variant is interpreted as pathogenic.

Natera, Inc.
Classification: Pathogenic for Niemann-Pick disease type C1. Last evaluated: 2025-11-03. Review status: criteria provided, single submitter. Criteria: Natera Variant Classification Schema (03/2026). Collection method: clinical testing. Allele origin: germline.
Comment: The c.1628C>T variant in NPC1 is a missense variant predicted to cause substitution of proline to leucine at amino acid 543. This variant is rare in the general population with a frequency below the threshold expected for the associated phenotype(s). This variant has been observed in one or more individuals affected with the associated recessive disease, as either homozygous or compound heterozygous with a second variant (PMID: 16126423, 22676771). Computational prediction algorithms indicate this variant is likely to affect gene or protein function. Given the available evidence, this variant is classified as Pathogenic.

Blueprint Genetics
Classification: Pathogenic for NPC1-related disorders. Last evaluated: 2024-07-02. Review status: criteria provided, single submitter. Criteria: ACMG Guidelines, 2015. Collection method: clinical testing. Allele origin: germline. Affected: yes. Observed: 5 variant alleles.

Genetic Services Laboratory, University of Chicago
Classification: Pathogenic. Last evaluated: 2024-05-23. Review status: criteria provided, single submitter. Criteria: ACMG Guidelines, 2015. Collection method: clinical testing. Allele origin: germline. Affected: yes.
Comment: DNA sequence analysis of the NPC1 gene demonstrated a sequence change, c.1628C>T, in exon 10 that results in an amino acid change, p.Pro543Leu. The p.Pro543Leu change affects a highly conserved amino acid residue located in a domain of the NPC1 protein that is known to be functional. The p.Pro543Leu substitution appears to be deleterious using several in-silico pathogenicity prediction tools (SIFT, PolyPhen2, Align GVGD, REVEL). This pathogenic sequence change has previously been described in the homozygous or compound heterozygous state in several individuals with Niemann Pick type C and shown to result in abnormal biochemical studies (PMID: 12955717, 16126423, 19744920, 22476655, 22676771). This sequence change has been described in the gnomAD database with a frequency of 0.001% in the overall population (dbSNP rs369368181). The p.Pro543Leu amino acid change occurs in a region of the NPC1 gene where other missense sequence changes have been described in individuals with NPC1-related disorders. Collectively, this evidence indicates that this sequence change is pathogenic.

Women's Health and Genetics/Laboratory Corporation of America, LabCorp
Classification: Pathogenic for Niemann-Pick disease, type C. Last evaluated: 2024-04-05. Review status: criteria provided, single submitter. Criteria: LabCorp Variant Classification Summary - May 2015. Collection method: clinical testing. Allele origin: germline.
Comment: Variant summary: NPC1 c.1628C>T (p.Pro543Leu) results in a non-conservative amino acid change in the encoded protein sequence. Five of five in-silico tools predict a damaging effect of the variant on protein function. The variant allele was found at a frequency of 1.6e-05 in 251218 control chromosomes. c.1628C>T has been reported in the literature in multiple individuals affected with Niemann-Pick Disease Type C (example, Chien_2013, Garver_2010, Heron_2012, Labrecque_2021, Millat_2005, Park_2003). These data indicate that the variant is very likely to be associated with disease. To our knowledge, no experimental evidence demonstrating an impact on protein function has been reported. The following publications have been ascertained in the context of this evaluation (PMID: 22476655, 19744920, 22676771, 34799641, 16126423, 12955717). ClinVar contains an entry for this variant (Variation ID: 181455). Based on the evidence outlined above, the variant was classified as pathogenic.

Labcorp Genetics (formerly Invitae), Labcorp
Classification: Pathogenic for Niemann-Pick disease, type C1. Last evaluated: 2024-02-02. Review status: criteria provided, single submitter. Criteria: Invitae Variant Classification Sherloc (09022015). Collection method: clinical testing. Allele origin: germline.
Comment: This sequence change replaces proline, which is neutral and non-polar, with leucine, which is neutral and non-polar, at codon 543 of the NPC1 protein (p.Pro543Leu). This variant is present in population databases (rs369368181, gnomAD 0.01%). This missense change has been observed in individuals with Niemann-Pick Type C disease (PMID: 12955717, 16126423, 19744920, 22476655, 22676771). ClinVar contains an entry for this variant (Variation ID: 181455). Advanced modeling of protein sequence and biophysical properties (such as structural, functional, and spatial information, amino acid conservation, physicochemical variation, residue mobility, and thermodynamic stability) performed at Invitae indicates that this missense variant is expected to disrupt NPC1 protein function with a positive predictive value of 95%. For these reasons, this variant has been classified as Pathogenic.

Fulgent Genetics
Classification: Pathogenic for Niemann-Pick disease, type C1. Last evaluated: 2021-10-22. Review status: criteria provided, single submitter. Criteria: ACMG Guidelines, 2015. Collection method: clinical testing. Allele origin: unknown.

Laboratory for Molecular Medicine, Mass General Brigham Personalized Medicine
Classification: Pathogenic for Niemann-Pick disease, type C. Last evaluated: 2017-02-14. Review status: criteria provided, single submitter. Criteria: LMM Criteria. Collection method: clinical testing. Allele origin: germline. Inheritance: Autosomal recessive inheritance. Observed: 1 variant allele.
Comment: The p.Pro543Leu (NM_000271.4 c.1628C>T) variant in NPC1 has been reported in 1 h omozygous and 4 compound heterozygous individuals with Niemann-Pick disease type C (Millat 2005, Garver 2010, Heron 2012, and Chien 2013). This variant is absen t from ExAC but has been identified in 1/8,600 of European chromosomes by the NH LBI Exome Sequencing Project (dbSNP rs3693681 81). In summary, this variant meets criteria to be classified as pathogenic for Niemann-Pick disease type C in an autosomal recessive manner based upon its bial lelic occurrence in patients and low frequency in controls.

Counsyl
Classification: Likely pathogenic for Niemann-Pick disease type C1. Last evaluated: 2014-06-14. Review status: no assertion criteria provided. Collection method: literature only. Allele origin: unknown. Inheritance: Autosomal recessive inheritance. Not counted in ClinVar's aggregate classification.

Literature cited by the submitters: PubMed 16126423 (cited by 5 submitters); PubMed 22676771 (cited by 5 submitters); PubMed 19744920 (cited by 4 submitters); PubMed 12955717 (cited by 4 submitters); PubMed 22476655 (cited by 4 submitters); PubMed 34799641 (cited by Women's Health and Genetics/Laboratory Corporation of America, LabCorp); PubMed 23653225 (cited by Counsyl).

NM_000271.5(NPC1):c.1628C>T (p.Pro543Leu)

Gene: NPC1 (NPC intracellular cholesterol transporter 1; minus strand). Cytogenetic location: 18q11.2.
Variant type: single nucleotide variant.
Coding change: c.1628C>T on transcript NM_000271.5 (MANE Select); coding-DNA position 1628, C replaced by T.
Protein change: p.Pro543Leu; replaces proline 543 with leucine.
Molecular consequence: missense variant.
Genome position (GRCh38, 1-based): chr18:23,551,653, G>A on the plus strand (C>T on the coding strand, the complement: NPC1 is on the minus strand). VCF-style: chr18-23551653-G-A. GRCh37 (hg19) VCF-style: chr18-21131617-G-A.
Other names: short protein forms P543L.
Identifiers: ClinVar variation 181455 (VCV000181455.20), dbSNP rs369368181, ClinGen allele CA297011.